The following is an entry in ClinVar:

NM_020070.4(IGLL1):c.266C>T (p.Ser89Phe)

Gene: IGLL1 (immunoglobulin lambda like polypeptide 1; minus strand). Cytogenetic location: 22q11.23.
Variant type: single nucleotide variant.
Coding change: c.266C>T on transcript NM_020070.4 (MANE Select); coding-DNA position 266, C replaced by T.
Protein change: p.Ser89Phe; replaces serine 89 with phenylalanine.
Molecular consequence: missense variant. On other transcripts: intron variant (1).
Genome position (GRCh38, 1-based): chr22:23,575,023, G>A on the plus strand (C>T on the coding strand, the complement: IGLL1 is on the minus strand). VCF-style: chr22-23575023-G-A. GRCh37 (hg19) VCF-style: chr22-23917210-G-A.
Other names: c.269C>T, p.Ser90Phe (NM_001369906.1); c.207-1438C>T (NM_152855.3); short protein forms S89F, S90F.
Identifiers: ClinVar variation 2917468 (VCV002917468.4), dbSNP rs1924988344, ClinGen allele CA410899140.

ClinVar aggregate classification (germline): Uncertain significance. Review status: criteria provided, multiple submitters, no conflicts (2 of 4 stars). 2 submissions from 2 submitters: Uncertain significance (2). Last evaluated 2025-06-09.

Conditions:
Agammaglobulinemia 2, autosomal recessive (AGM2). Also called: AGAMMAGLOBULINEMIA, AUTOSOMAL RECESSIVE, DUE TO IGLL1 DEFECT. Identifiers: MedGen C3150750, MONDO:0013287, OMIM 613500.

Allele frequency attached by ClinVar (database versions not stated): TOPMed below 0.00001.
gnomAD v4.1: 5 of 1,614,162 alleles (0.00031%); highest among the groups gnomAD compares: Non-Finnish European, 0.00042%; no homozygotes.

Submissions (2):

Labcorp Genetics (formerly Invitae), Labcorp
Classification: Uncertain significance for Agammaglobulinemia 2, autosomal recessive. Last evaluated: 2025-06-09. Review status: criteria provided, single submitter. Criteria: Invitae Variant Classification Sherloc (09022015). Collection method: clinical testing. Allele origin: germline.
Comment: This sequence change replaces serine, which is neutral and polar, with phenylalanine, which is neutral and non-polar, at codon 89 of the IGLL1 protein (p.Ser89Phe). This variant is not present in population databases (gnomAD no frequency). This variant has not been reported in the literature in individuals affected with IGLL1-related conditions. ClinVar contains an entry for this variant (Variation ID: 2917468). An algorithm developed to predict the effect of missense changes on protein structure and function (PolyPhen-2) suggests that this variant is likely to be tolerated. In summary, the available evidence is currently insufficient to determine the role of this variant in disease. Therefore, it has been classified as a Variant of Uncertain Significance.

Ambry Genetics
Classification: Uncertain significance. Last evaluated: 2025-04-01. Review status: criteria provided, single submitter. Criteria: Ambry Variant Classification Scheme 2023. Collection method: clinical testing. Allele origin: germline.